The following is an entry in ClinVar:

NM_000722.4(CACNA2D1):c.2974C>T (p.His992Tyr)

Gene: CACNA2D1 (calcium voltage-gated channel auxiliary subunit alpha2delta 1; minus strand). Cytogenetic location: 7q21.11.
Variant type: single nucleotide variant.
Coding change: c.2974C>T on transcript NM_000722.4 (MANE Select); coding-DNA position 2974, C replaced by T.
Protein change: p.His992Tyr; replaces histidine 992 with tyrosine.
Molecular consequence: missense variant.
Genome position (GRCh38, 1-based): chr7:81,959,822, G>A on the plus strand (C>T on the coding strand, the complement: CACNA2D1 is on the minus strand). VCF-style: chr7-81959822-G-A. GRCh37 (hg19) VCF-style: chr7-81589138-G-A.
Other names: c.3010C>T, p.His1004Tyr (NM_001366867.1); short protein forms H1004Y, H992Y.
Identifiers: ClinVar variation 4217926 (VCV004217926.2).

ClinVar aggregate classification (germline): Uncertain significance. Review status: criteria provided, multiple submitters, no conflicts (2 of 4 stars). 2 submissions from 2 submitters: Uncertain significance (2). Last evaluated 2025-07-22.

Conditions:
Brugada syndrome. Also called: Sudden unexpected nocturnal death syndrome; Sudden unexplained nocturnal death syndrome; Sudden Unexplained Death Syndrome; Sudden Unexplained Nocturnal Death Syndrome (SUNDS). Identifiers: Orphanet 130, MedGen C1142166, MONDO:0015263.
Cardiovascular phenotype. Identifiers: MedGen CN230736.

gnomAD v4.1: 2 of 1,611,606 alleles (0.00012%); highest among the groups gnomAD compares: Non-Finnish European, 0.00017%; no homozygotes.

Submissions (2):

Ambry Genetics
Classification: Uncertain significance for Cardiovascular phenotype. Last evaluated: 2025-07-22. Review status: criteria provided, single submitter. Criteria: Ambry Variant Classification Scheme 2023. Collection method: clinical testing. Allele origin: germline.
Comment: The p.H992Y variant (also known as c.2974C>T), located in coding exon 37 of the CACNA2D1 gene, results from a C to T substitution at nucleotide position 2974. The histidine at codon 992 is replaced by tyrosine, an amino acid with similar properties. This amino acid position is conserved. In addition, this alteration is predicted to be tolerated by in silico analysis. Based on the available evidence, the clinical significance of this variant remains unclear.

Labcorp Genetics (formerly Invitae), Labcorp
Classification: Uncertain significance for Brugada syndrome. Last evaluated: 2025-07-13. Review status: criteria provided, single submitter. Criteria: Invitae Variant Classification Sherloc (09022015). Collection method: clinical testing. Allele origin: germline.
Comment: This sequence change replaces histidine, which is basic and polar, with tyrosine, which is neutral and polar, at codon 992 of the CACNA2D1 protein (p.His992Tyr). This variant is present in population databases (no rsID available, gnomAD 0.0009%). This variant has not been reported in the literature in individuals affected with CACNA2D1-related conditions. An algorithm developed to predict the effect of missense changes on protein structure and function (PolyPhen-2) suggests that this variant is likely to be disruptive. In summary, the available evidence is currently insufficient to determine the role of this variant in disease. Therefore, it has been classified as a Variant of Uncertain Significance.